The following is an entry in ClinVar:

ClinVar aggregate classification (germline): Uncertain significance (1 of 4 stars; one submission).

Conditions:
Charcot-Marie-Tooth disease axonal type 2O. Also called: CHARCOT-MARIE-TOOTH NEUROPATHY, AXONAL, TYPE 2O; CHARCOT-MARIE-TOOTH DISEASE, AXONAL, AUTOSOMAL DOMINANT, TYPE 2O; Charcot-Marie-Tooth disease, axonal, type 20; Charcot-Marie-Tooth Neuropathy Type 2O. Identifiers: Orphanet 284232, MedGen C3280220, MONDO:0013644, OMIM 614228.

Submission:

Labcorp Genetics (formerly Invitae), Labcorp
Classification: Uncertain significance for Charcot-Marie-Tooth disease axonal type 2O. Last evaluated: 2026-02-02. Review status: criteria provided, single submitter. Criteria: Invitae Variant Classification Sherloc (09022015). Collection method: clinical testing. Allele origin: germline.
Comment: This sequence change replaces asparagine, which is neutral and polar, with aspartic acid, which is acidic and polar, at codon 2322 of the DYNC1H1 protein (p.Asn2322Asp). This variant is not present in population databases (gnomAD no frequency). This variant has not been reported in the literature in individuals affected with DYNC1H1-related conditions. ClinVar contains an entry for this variant (Variation ID: 1993359). Invitae Evidence Modeling of protein sequence and biophysical properties (such as structural, functional, and spatial information, amino acid conservation, physicochemical variation, residue mobility, and thermodynamic stability) indicates that this missense variant is expected to disrupt DYNC1H1 protein function with a positive predictive value of 95%. In summary, the available evidence is currently insufficient to determine the role of this variant in disease. Therefore, it has been classified as a Variant of Uncertain Significance.

NM_001376.5(DYNC1H1):c.6964A>G (p.Asn2322Asp)

Gene: DYNC1H1 (dynein cytoplasmic 1 heavy chain 1; plus strand). Cytogenetic location: 14q32.31.
Variant type: single nucleotide variant.
Coding change: c.6964A>G on transcript NM_001376.5 (MANE Select); coding-DNA position 6964, A replaced by G.
Protein change: p.Asn2322Asp; replaces asparagine 2322 with aspartic acid.
Molecular consequence: missense variant.
Genome position (GRCh38, 1-based): chr14:102,012,420, A>G. VCF-style: chr14-102012420-A-G. GRCh37 (hg19) VCF-style: chr14-102478757-A-G.
Other names: short protein forms N2322D.
Identifiers: ClinVar variation 1993359 (VCV001993359.4), dbSNP rs2503757896, ClinGen allele CA391059044.